The following is an entry in ClinVar:

NM_001366521.1(ATP2B1):c.1904C>A (p.Thr635Asn)

Gene: ATP2B1 (ATPase plasma membrane Ca2+ transporting 1; minus strand). Cytogenetic location: 12q21.33.
Variant type: single nucleotide variant.
Coding change: c.1904C>A on transcript NM_001366521.1 (MANE Select); coding-DNA position 1904, C replaced by A.
Protein change: p.Thr635Asn; replaces threonine 635 with asparagine.
Molecular consequence: missense variant. On other transcripts: non-coding transcript variant (3).
Genome position (GRCh38, 1-based): chr12:89,616,965, G>T on the plus strand (C>A on the coding strand, the complement: ATP2B1 is on the minus strand). VCF-style: chr12-89616965-G-T. GRCh37 (hg19) VCF-style: chr12-90010742-G-T.
Other names: c.1904C>A, p.Thr635Asn (NM_001001323.2, NM_001366520.1, NM_001366522.1 and 12 more transcripts); c.1706C>A, p.Thr569Asn (NM_001366530.1, NM_001413053.1); c.1343C>A, p.Thr448Asn (NM_001366531.1, NM_001366532.1, NM_001413058.1 and 2 more transcripts); c.1865C>A, p.Thr622Asn (NM_001413048.1); c.1763C>A, p.Thr588Asn (NM_001413051.1, NM_001413052.1, NM_001413055.1); c.1661C>A, p.Thr554Asn (NM_001413054.1); c.1649C>A, p.Thr550Asn (NM_001413056.1); c.1451C>A, p.Thr484Asn (NM_001413057.1); short protein forms T448N, T484N, T550N, T554N, T569N, T588N, T622N, T635N.
Identifiers: ClinVar variation 3384798 (VCV003384798.1).

ClinVar aggregate classification (germline): Uncertain significance (1 of 4 stars; one submission).

gnomAD v4.1: 6 of 1,613,932 alleles (0.00037%); highest among the groups gnomAD compares: Admixed American, 0.0033%; no homozygotes.

Submission:

Women's Health and Genetics/Laboratory Corporation of America, LabCorp
Classification: Uncertain significance. Last evaluated: 2024-10-09. Review status: criteria provided, single submitter. Criteria: LabCorp Variant Classification Summary - May 2015. Collection method: clinical testing. Allele origin: germline.
Comment: Variant summary: ATP2B1 c.1904C>A (p.Thr635Asn) results in a non-conservative amino acid change located in the P-type ATPase, haloacid dehalogenase domain (IPR044492) of the encoded protein sequence. Three of five in-silico tools predict a benign effect of the variant on protein function. The variant was absent in 251258 control chromosomes. The available data on variant occurrences in the general population are insufficient to allow any conclusion about variant significance. To our knowledge, no occurrence of c.1904C>A in individuals affected with Intellectual Developmental Disorder, Autosomal Dominant 66 and no experimental evidence demonstrating its impact on protein function have been reported. No submitters have cited clinical-significance assessments for this variant to ClinVar. Based on the evidence outlined above, the variant was classified as uncertain significance.